The following is an entry in ClinVar:

NM_030667.3(PTPRO):c.2100C>T (p.Asn700=)

Genes: PTPRO (protein tyrosine phosphatase receptor type O; plus strand), LOC126861467 (CDK7 strongly-dependent group 2 enhancer GRCh37_chr12:15678492-15679691; plus strand). Cytogenetic location: 12p12.3.
Variant type: single nucleotide variant.
Coding change: c.2100C>T on transcript NM_030667.3 (MANE Select); coding-DNA position 2100, C replaced by T.
Protein change: p.Asn700=; no amino-acid change (asparagine 700 retained).
Molecular consequence: synonymous variant.
Genome position (GRCh38, 1-based): chr12:15,526,198, C>T. VCF-style: chr12-15526198-C-T. GRCh37 (hg19) VCF-style: chr12-15679132-C-T.
Other names: p.Asn700=; c.2100C>T, p.Asn700= (NM_002848.4).
Identifiers: ClinVar variation 777233 (VCV000777233.16), dbSNP rs80309166, ClinGen allele CA6466715.
Genomic context (GRCh38, chr12:15,526,198, plus strand): 5'-GCAGGTAACACGCAATGTCATGACTGCAATTCTCAGCTTGCCTCCAGGCGACATCTATAA[C>T]CTCTCAGTAACTGCTTGTACTGAAAGAGGAAGTAATACCTCCATGCTCCGCCTTGTCAAG-3'
Protein context (NP_109592.1, residues 690-710): ILSLPPGDIY[Asn700=]LSVTACTERG

ClinVar aggregate classification (germline): Benign/Likely benign. Review status: criteria provided, multiple submitters, no conflicts (2 of 4 stars). 6 submissions from 6 submitters: Benign (2); Likely benign (4). Last evaluated 2026-01-20.

Conditions:
Nephrotic syndrome, type 6 (NPHS6). Identifiers: Orphanet 656, MedGen C3280100, MONDO:0013619, OMIM 614196.

Allele frequency attached by ClinVar (database versions not stated): gnomAD exomes 0.00256; ExAC 0.00308; gnomAD 0.01032 and 0.01095; ESP Exome Variant Server 0.01069; TOPMed 0.01153; 1000 Genomes Project 0.01418; 1000 Genomes Project 30x 0.01546.
gnomAD v4.1: 3,400 of 1,613,858 alleles (0.21%); highest among the groups gnomAD compares: African/African-American, 3.4%; 40 homozygotes.

Submissions (6):

Labcorp Genetics (formerly Invitae), Labcorp
Classification: Benign. Last evaluated: 2026-01-20. Review status: criteria provided, single submitter. Criteria: Invitae Variant Classification Sherloc (09022015). Collection method: clinical testing. Allele origin: germline.

Blueprint Genetics
Classification: Likely benign. Last evaluated: 2024-09-24. Review status: criteria provided, single submitter. Criteria: ACMG Guidelines, 2015. Collection method: clinical testing. Allele origin: germline.

Mayo Clinic Laboratories, Mayo Clinic
Classification: Benign. Last evaluated: 2024-01-17. Review status: criteria provided, single submitter. Criteria: ACMG Guidelines, 2015. Collection method: clinical testing. Allele origin: germline. Observed: 5 variant alleles.
Comment: BS1, BS2, BP4, BP7

GeneDx
Classification: Likely benign. Last evaluated: 2022-05-09. Review status: criteria provided, single submitter. Criteria: GeneDx Variant Classification Process June 2021. Collection method: clinical testing. Allele origin: germline. Affected: yes.
Comment: See Variant Classification Assertion Criteria.

Fulgent Genetics
Classification: Likely benign for Nephrotic syndrome, type 6. Last evaluated: 2021-08-10. Review status: criteria provided, single submitter. Criteria: ACMG Guidelines, 2015. Collection method: clinical testing. Allele origin: unknown.

Breakthrough Genomics
Classification: Likely benign. Review status: criteria provided, single submitter. Criteria: ACMG Guidelines, 2015. Collection method: not provided. Allele origin: germline. Inheritance: Autosomal recessive inheritance. Affected: yes.